The following is an entry in ClinVar:

NM_000095.3(COMP):c.1342T>G (p.Cys448Gly)

Gene: COMP (cartilage oligomeric matrix protein; minus strand). Cytogenetic location: 19p13.11.
Variant type: single nucleotide variant.
Coding change: c.1342T>G on transcript NM_000095.3 (MANE Select); coding-DNA position 1342, T replaced by G.
Protein change: p.Cys448Gly; replaces cysteine 448 with glycine.
Molecular consequence: missense variant.
Genome position (GRCh38, 1-based): chr19:18,786,112, A>C on the plus strand (T>G on the coding strand, the complement: COMP is on the minus strand). VCF-style: chr19-18786112-A-C. GRCh37 (hg19) VCF-style: chr19-18896922-A-C.
Other names: short protein forms C448G.
Identifiers: ClinVar variation 2761611 (VCV002761611.3), dbSNP rs2512847626, ClinGen allele CA404885072.

ClinVar aggregate classification (germline): Likely pathogenic (1 of 4 stars; one submission).

Submission:

Labcorp Genetics (formerly Invitae), Labcorp
Classification: Likely pathogenic. Last evaluated: 2023-09-19. Review status: criteria provided, single submitter. Criteria: Invitae Variant Classification Sherloc (09022015). Collection method: clinical testing. Allele origin: germline.
Comment: In summary, the currently available evidence indicates that the variant is pathogenic, but additional data are needed to prove that conclusively. Therefore, this variant has been classified as Likely Pathogenic. This variant disrupts the p.Cys448 amino acid residue in COMP. Other variant(s) that disrupt this residue have been observed in individuals with COMP-related conditions (PMID: 21922596), which suggests that this may be a clinically significant amino acid residue. Advanced modeling of protein sequence and biophysical properties (such as structural, functional, and spatial information, amino acid conservation, physicochemical variation, residue mobility, and thermodynamic stability) performed at Invitae indicates that this missense variant is expected to disrupt COMP protein function. This missense change has been observed in individual(s) with clinical features of pseudoachondroplasia (PMID: 34529350; Invitae). In at least one individual the variant was observed to be de novo. This variant is not present in population databases (gnomAD no frequency). This sequence change replaces cysteine, which is neutral and slightly polar, with glycine, which is neutral and non-polar, at codon 448 of the COMP protein (p.Cys448Gly).

Literature cited by the submitters: PubMed 21922596; PubMed 34529350.